The following is an entry in ClinVar:

NM_003136.4(SRP54):c.1296A>G (p.Lys432=)

Gene: SRP54 (signal recognition particle 54; plus strand). Cytogenetic location: 14q13.2.
Variant type: single nucleotide variant.
Coding change: c.1296A>G on transcript NM_003136.4 (MANE Select); coding-DNA position 1296, A replaced by G.
Protein change: p.Lys432=; no amino-acid change (lysine 432 retained).
Molecular consequence: synonymous variant.
Genome position (GRCh38, 1-based): chr14:35,023,049, A>G. VCF-style: chr14-35023049-A-G. GRCh37 (hg19) VCF-style: chr14-35492255-A-G.
Other names: c.1296A>G (NM_003136.3); c.1149A>G, p.Lys383= (NM_001146282.2).
Identifiers: ClinVar variation 1535386 (VCV001535386.10), dbSNP rs201181084, ClinGen allele CA7153815.

ClinVar aggregate classification (germline): Benign. Review status: criteria provided, single submitter (1 of 4 stars). 2 submissions from 2 submitters: Benign (1). 1 of the submissions does not count toward it. Last evaluated 2026-01-20.

Conditions:
SRP54-related disorder. Also called: SRP54-related condition.

Allele frequency attached by ClinVar (database versions not stated): gnomAD 0.00004 and 0.00086; TOPMed 0.00019; gnomAD exomes 0.00160 and 0.00316; ExAC 0.00374; 1000 Genomes Project 30x 0.00531; 1000 Genomes Project 0.00579.
gnomAD v4.1: 2,446 of 1,613,410 alleles (0.15%); highest among the groups gnomAD compares: South Asian, 2.6%; 58 homozygotes.

Submissions (2):

Labcorp Genetics (formerly Invitae), Labcorp
Classification: Benign. Last evaluated: 2026-01-20. Review status: criteria provided, single submitter. Criteria: Invitae Variant Classification Sherloc (09022015). Collection method: clinical testing. Allele origin: germline.

PreventionGenetics, part of Exact Sciences
Classification: Likely benign for SRP54-related condition. Last evaluated: 2024-01-05. Review status: no assertion criteria provided. Collection method: clinical testing. Allele origin: germline. Not counted in ClinVar's aggregate classification.
Comment: This variant is classified as likely benign based on ACMG/AMP sequence variant interpretation guidelines (Richards et al. 2015 PMID: 25741868, with internal and published modifications).